The following is an entry in ClinVar:

NM_013432.5(TONSL):c.3291G>T (p.Met1097Ile)

Gene: TONSL (tonsoku like, DNA repair protein; minus strand). Cytogenetic location: 8q24.3.
Variant type: single nucleotide variant.
Coding change: c.3291G>T on transcript NM_013432.5 (MANE Select); coding-DNA position 3291, G replaced by T.
Protein change: p.Met1097Ile; replaces methionine 1097 with isoleucine.
Molecular consequence: missense variant.
Genome position (GRCh38, 1-based): chr8:144,434,074, C>A on the plus strand (G>T on the coding strand, the complement: TONSL is on the minus strand). VCF-style: chr8-144434074-C-A. GRCh37 (hg19) VCF-style: chr8-145659457-C-A.
Other names: short protein forms M1097I.
Identifiers: ClinVar variation 1489339 (VCV001489339.7), dbSNP rs1564728068, ClinGen allele CA372645948.

ClinVar aggregate classification (germline): Uncertain significance (1 of 4 stars; one submission).

Allele frequency attached by ClinVar (database versions not stated): gnomAD exomes below 0.00001; gnomAD 0.00001.

Submission:

Labcorp Genetics (formerly Invitae), Labcorp
Classification: Uncertain significance. Last evaluated: 2023-10-13. Review status: criteria provided, single submitter. Criteria: Invitae Variant Classification Sherloc (09022015). Collection method: clinical testing. Allele origin: germline.
Comment: This sequence change replaces methionine, which is neutral and non-polar, with isoleucine, which is neutral and non-polar, at codon 1097 of the TONSL protein (p.Met1097Ile). This variant is not present in population databases (gnomAD no frequency). This variant has not been reported in the literature in individuals affected with TONSL-related conditions. ClinVar contains an entry for this variant (Variation ID: 1489339). Advanced modeling of protein sequence and biophysical properties (such as structural, functional, and spatial information, amino acid conservation, physicochemical variation, residue mobility, and thermodynamic stability) performed at Invitae indicates that this missense variant is not expected to disrupt TONSL protein function. In summary, the available evidence is currently insufficient to determine the role of this variant in disease. Therefore, it has been classified as a Variant of Uncertain Significance.